The following is an entry in ClinVar:

NM_001032386.2(SUOX):c.66_68del (p.Ser23del)

Gene: SUOX (sulfite oxidase; plus strand). Cytogenetic location: 12q13.2.
Variant type: Deletion.
Coding change: c.66_68del on transcript NM_001032386.2 (MANE Select); coding-DNA positions 66 to 68, 3 bases deleted (CTC; older notation c.66_68delCTC).
Protein change: p.Ser23del; deletes serine 23.
Molecular consequence: inframe deletion.
Genome position (GRCh38, 1-based): chr12:56,002,558-56,002,560, CTC deleted; deleting any 3 consecutive bases within chr12:56,002,557-56,002,560 gives the same sequence; the c. name uses the placement nearest the transcript's 3' end. VCF-style (leftmost placement, unchanged base first): chr12-56002556-CCCT-C. GRCh37 (hg19) VCF-style: chr12-56396340-CCCT-C.
Other names: c.66_68del, p.Ser23del (NM_000456.3, NM_001032387.2); short protein forms S23del.
Identifiers: ClinVar variation 1514452 (VCV001514452.7), dbSNP rs765291957, ClinGen allele CA6620872.
Genomic context (GRCh38, chr12:56,002,556, plus strand): 5'-CCCTTTCACATGACCATACGTGCTACTAAGACCGACCTCTCTTCCAGACTCAAGTCAATC[CCCT>C]CAAGGATCTGCATTCAGGCCTGCTCCACAAATGATTCATTTCAGCCCCAGCGCCCCAGCC-3'

ClinVar aggregate classification (germline): Uncertain significance. Review status: criteria provided, multiple submitters, no conflicts (2 of 4 stars). 2 submissions from 2 submitters: Uncertain significance (2). Last evaluated 2022-08-16.

Conditions:
Sulfite oxidase deficiency. Also called: Isolated sulfite oxidase deficiency. Identifiers: Orphanet 833, Orphanet 99731, MedGen C0268624, MONDO:0010089, OMIM 272300, HP:0003643.

Submissions (2):

Labcorp Genetics (formerly Invitae), Labcorp
Classification: Uncertain significance for Sulfite oxidase deficiency. Last evaluated: 2022-08-16. Review status: criteria provided, single submitter. Criteria: Invitae Variant Classification Sherloc (09022015). Collection method: clinical testing. Allele origin: germline.
Comment: This variant, c.66_68del, results in the deletion of 1 amino acid(s) of the SUOX protein (p.Ser23del), but otherwise preserves the integrity of the reading frame. This variant is present in population databases (rs765291957, gnomAD 0.006%). This variant has not been reported in the literature in individuals affected with SUOX-related conditions. ClinVar contains an entry for this variant (Variation ID: 1514452). Experimental studies and prediction algorithms are not available or were not evaluated, and the functional significance of this variant is currently unknown. In summary, the available evidence is currently insufficient to determine the role of this variant in disease. Therefore, it has been classified as a Variant of Uncertain Significance.

Breakthrough Genomics
Classification: Uncertain significance. Review status: criteria provided, single submitter. Criteria: ACMG Guidelines, 2015. Collection method: not provided. Allele origin: germline. Inheritance: Autosomal recessive inheritance. Affected: yes.